The following is an entry in ClinVar:

ClinVar aggregate classification (germline): Uncertain significance (1 of 4 stars; one submission).

Submission:

GeneDx
Classification: Uncertain significance. Last evaluated: 2024-10-07. Review status: criteria provided, single submitter. Criteria: GeneDx Variant Classification Process June 2021. Collection method: clinical testing. Allele origin: germline. Affected: yes.
Comment: Not observed at significant frequency in large population cohorts (gnomAD); In silico analysis indicates that this missense variant does not alter protein structure/function; Has not been previously published as pathogenic or benign to our knowledge

NM_006662.3(SRCAP):c.1840C>A (p.Leu614Met)

Gene: SRCAP (Snf2 related CREBBP activator protein; plus strand). Cytogenetic location: 16p11.2.
Variant type: single nucleotide variant.
Coding change: c.1840C>A on transcript NM_006662.3 (MANE Select); coding-DNA position 1840, C replaced by A.
Protein change: p.Leu614Met; replaces leucine 614 with methionine.
Molecular consequence: missense variant.
Genome position (GRCh38, 1-based): chr16:30,712,286, C>A. VCF-style: chr16-30712286-C-A. GRCh37 (hg19) VCF-style: chr16-30723607-C-A.
Other names: short protein forms L614M.
Identifiers: ClinVar variation 3776482 (VCV003776482.1).